The following is an entry in ClinVar:

ClinVar aggregate classification (germline): Uncertain significance (1 of 4 stars; one submission).

Submission:

Labcorp Genetics (formerly Invitae), Labcorp
Classification: Uncertain significance. Last evaluated: 2022-09-01. Review status: criteria provided, single submitter. Criteria: Invitae Variant Classification Sherloc (09022015). Collection method: clinical testing. Allele origin: germline.
Comment: In summary, the available evidence is currently insufficient to determine the role of this variant in disease. Therefore, it has been classified as a Variant of Uncertain Significance. This sequence change affects codon 1548 of the USP9X mRNA. It is a 'silent' change, meaning that it does not change the encoded amino acid sequence of the USP9X protein. This variant is not present in population databases (gnomAD no frequency). This variant has not been reported in the literature in individuals affected with USP9X-related conditions. Algorithms developed to predict the effect of sequence changes on RNA splicing suggest that this variant may create or strengthen a splice site.

NM_001039591.3(USP9X):c.4644T>A (p.Val1548=)

Gene: USP9X (ubiquitin specific peptidase 9 X-linked; plus strand). Cytogenetic location: Xp11.4.
Variant type: single nucleotide variant.
Coding change: c.4644T>A on transcript NM_001039591.3 (MANE Select); coding-DNA position 4644, T replaced by A.
Protein change: p.Val1548=; no amino-acid change (valine 1548 retained).
Molecular consequence: synonymous variant.
Genome position (GRCh38, 1-based): chrX:41,201,100, T>A. VCF-style: chrX-41201100-T-A. GRCh37 (hg19) VCF-style: chrX-41060353-T-A.
Other names: c.4644T>A, p.Val1548= (NM_001039590.3); c.4659T>A, p.Val1553= (NM_001410748.1, NM_001410749.1).
Identifiers: ClinVar variation 2073587 (VCV002073587.4), dbSNP rs772551426, ClinGen allele CA515973712.